The following is an entry in ClinVar:

NM_002474.3(MYH11):c.4588C>A (p.Leu1530Met)

Genes: NDE1 (nudE neurodevelopment protein 1; plus strand), MYH11 (myosin heavy chain 11; minus strand). Cytogenetic location: 16p13.11.
Variant type: single nucleotide variant.
Coding change: c.4588C>A on transcript NM_002474.3 (MANE Select); coding-DNA position 4588, C replaced by A.
Protein change: p.Leu1530Met; replaces leucine 1530 with methionine.
Molecular consequence: missense variant. On other transcripts: intron variant (2).
Genome position (GRCh38, 1-based): chr16:15,721,042, G>T on the plus strand (C>A on the coding strand, the complement: MYH11 is on the minus strand). VCF-style: chr16-15721042-G-T. GRCh37 (hg19) VCF-style: chr16-15814899-G-T.
Other names: c.4609C>A, p.Leu1537Met (NM_001040113.2, NM_001040114.2); c.4588C>A, p.Leu1530Met (NM_022844.3); c.948-3149G>T (NM_001143979.2, NM_017668.3); short protein forms L1530M, L1537M.
Identifiers: ClinVar variation 1741682 (VCV001741682.2), dbSNP rs2506121627, ClinGen allele CA394854625.
Genomic context (GRCh38, chr16:15,721,042, plus strand): 5'-CTTCCAGCTGCGTCTTCATCTCCTCCATCTGGGTCTCCAGGGCCCGCTTGGACTTCTCCA[G>T]CTCATGGACCTGCCGGCAGAGCGGGCAGCCCCATTCTATGAGGCTCAACTTCATGAAGAC-3'
Protein context (NP_002465.1, residues 1520-1540): KDDVGKNVHE[Leu1530Met]EKSKRALETQ

ClinVar aggregate classification (germline): Uncertain significance (1 of 4 stars; one submission).

Conditions:
Familial thoracic aortic aneurysm and aortic dissection (TAAD). Also called: Thoracic aortic aneurysms and dissections. Identifiers: Orphanet 91387, MedGen C4707243, MONDO:0019625.

gnomAD v4.1: 1 of 1,613,890 alleles (0.000062%); highest among the groups gnomAD compares: Non-Finnish European, 0.000085%; no homozygotes.

Submission:

Ambry Genetics
Classification: Uncertain significance for Familial thoracic aortic aneurysm and aortic dissection. Last evaluated: 2022-09-12. Review status: criteria provided, single submitter. Criteria: Ambry Variant Classification Scheme 2023. Collection method: clinical testing. Allele origin: germline.
Comment: The p.L1530M variant (also known as c.4588C>A), located in coding exon 32 of the MYH11 gene, results from a C to A substitution at nucleotide position 4588. The leucine at codon 1530 is replaced by methionine, an amino acid with highly similar properties. This amino acid position is conserved. In addition, the in silico prediction for this alteration is inconclusive. Since supporting evidence is limited at this time, the clinical significance of this alteration remains unclear.